The following is an entry in ClinVar:

ClinVar aggregate classification (germline): Uncertain significance (1 of 4 stars; one submission).

Conditions:
EGFR-related lung cancer (EGFR). Identifiers: MedGen CN130014.

Submission:

Labcorp Genetics (formerly Invitae), Labcorp
Classification: Uncertain significance for EGFR-related lung cancer. Last evaluated: 2025-10-01. Review status: criteria provided, single submitter. Criteria: Invitae Variant Classification Sherloc (09022015). Collection method: clinical testing. Allele origin: germline.
Comment: This sequence change replaces leucine, which is neutral and non-polar, with histidine, which is basic and polar, at codon 1017 of the EGFR protein (p.Leu1017His). This variant is not present in population databases (gnomAD no frequency). This variant has not been reported in the literature in individuals affected with EGFR-related conditions. Invitae Evidence Modeling of protein sequence and biophysical properties (such as structural, functional, and spatial information, amino acid conservation, physicochemical variation, residue mobility, and thermodynamic stability) indicates that this missense variant is expected to disrupt EGFR protein function with a positive predictive value of 80%. In summary, the available evidence is currently insufficient to determine the role of this variant in disease. Therefore, it has been classified as a Variant of Uncertain Significance.

NM_005228.5(EGFR):c.3050T>A (p.Leu1017His)

Gene: EGFR (epidermal growth factor receptor; plus strand). Cytogenetic location: 7p11.2.
Variant type: single nucleotide variant.
Coding change: c.3050T>A on transcript NM_005228.5 (MANE Select); coding-DNA position 3050, T replaced by A.
Protein change: p.Leu1017His; replaces leucine 1017 with histidine.
Molecular consequence: missense variant.
Genome position (GRCh38, 1-based): chr7:55,201,291, T>A. VCF-style: chr7-55201291-T-A. GRCh37 (hg19) VCF-style: chr7-55268984-T-A.
Other names: c.2915T>A, p.Leu972His (NM_001346897.2, NM_001346899.2); c.3050T>A, p.Leu1017His (NM_001346898.2); c.2891T>A, p.Leu964His (NM_001346900.2); c.2249T>A, p.Leu750His (NM_001346941.2); short protein forms L1017H, L750H, L964H, L972H.
Identifiers: ClinVar variation 4744628 (VCV004744628.1).